The following is an entry in ClinVar:

NM_001893.6(CSNK1D):c.234C>T (p.Asn78=)

Gene: CSNK1D (casein kinase 1 delta; minus strand). Cytogenetic location: 17q25.3.
Variant type: single nucleotide variant.
Coding change: c.234C>T on transcript NM_001893.6 (MANE Select); coding-DNA position 234, C replaced by T.
Protein change: p.Asn78=; no amino-acid change (asparagine 78 retained).
Molecular consequence: synonymous variant. On other transcripts: non-coding transcript variant (1).
Genome position (GRCh38, 1-based): chr17:82,255,531, G>A on the plus strand (C>T on the coding strand, the complement: CSNK1D is on the minus strand). VCF-style: chr17-82255531-G-A. GRCh37 (hg19) VCF-style: chr17-80213407-G-A.
Other names: c.234C>T, p.Asn78= (NM_001363749.2, NM_139062.4).
Identifiers: ClinVar variation 2648494 (VCV002648494.24), dbSNP rs770868697, ClinGen allele CA8855709.

ClinVar aggregate classification (germline): Likely benign (1 of 4 stars; one submission).

Allele frequency attached by ClinVar (database versions not stated): ExAC 0.00001; gnomAD exomes 0.00001; TOPMed 0.00001.

Submission:

CeGaT Center for Human Genetics Tuebingen
Classification: Likely benign. Last evaluated: 2022-06-01. Review status: criteria provided, single submitter. Criteria: CeGaT Center For Human Genetics Tuebingen Variant Classification Criteria Version 2. Collection method: clinical testing. Allele origin: germline. Affected: yes. Observed: 1 variant allele.
Comment: CSNK1D: BP4, BP7